The following is an entry in ClinVar:

ClinVar aggregate classification (germline): Uncertain significance (1 of 4 stars; one submission).

Submission:

GeneDx
Classification: Uncertain significance. Last evaluated: 2025-03-07. Review status: criteria provided, single submitter. Criteria: GeneDx Variant Classification Process June 2021. Collection method: clinical testing. Allele origin: germline. Affected: yes.
Comment: Not observed at significant frequency in large population cohorts (gnomAD); In silico analysis indicates that this missense variant does not alter protein structure/function; Has not been previously published as pathogenic or benign to our knowledge

NM_001040436.3(YARS2):c.113T>C (p.Leu38Ser)

Gene: YARS2 (tyrosyl-tRNA synthetase 2; minus strand). Cytogenetic location: 12p11.21.
Variant type: single nucleotide variant.
Coding change: c.113T>C on transcript NM_001040436.3 (MANE Select); coding-DNA position 113, T replaced by C.
Protein change: p.Leu38Ser; replaces leucine 38 with serine.
Molecular consequence: missense variant.
Genome position (GRCh38, 1-based): chr12:32,755,762, A>G on the plus strand (T>C on the coding strand, the complement: YARS2 is on the minus strand). VCF-style: chr12-32755762-A-G. GRCh37 (hg19) VCF-style: chr12-32908696-A-G.
Other names: short protein forms L38S.
Identifiers: ClinVar variation 4082999 (VCV004082999.1).